The following is an entry in ClinVar:

ClinVar aggregate classification (germline): Conflicting classifications of pathogenicity. Review status: criteria provided, conflicting classifications (1 of 4 stars). 9 submissions from 9 submitters: Uncertain significance (8); Benign (1). Last evaluated 2025-12-24.

Conditions:
Juvenile polyposis syndrome (JPS). Identifiers: Orphanet 2929, MedGen C0345893, MONDO:0017380, OMIM 174900.
Hereditary cancer-predisposing syndrome. Also called: Hereditary Cancer Syndrome; Neoplastic Syndromes, Hereditary; Tumor predisposition; Hereditary neoplastic syndrome. Identifiers: Orphanet 140162, MedGen C0027672, MeSH D009386, MONDO:0015356.
Generalized juvenile polyposis/juvenile polyposis coli. Also called: Juvenile polyposis coli. Identifiers: Orphanet 329971, MedGen C1868081, MONDO:0008276.

Allele frequency attached by ClinVar (database versions not stated): gnomAD exomes 0.00001; ExAC 0.00002.
gnomAD v4.1: 19 of 1,614,244 alleles (0.0012%); highest among the groups gnomAD compares: Non-Finnish European, 0.0016%; no homozygotes.

Submissions (9):

Labcorp Genetics (formerly Invitae), Labcorp
Classification: Uncertain significance for Juvenile polyposis syndrome. Last evaluated: 2025-12-24. Review status: criteria provided, single submitter. Criteria: Invitae Variant Classification Sherloc (09022015). Collection method: clinical testing. Allele origin: germline.
Comment: This sequence change replaces isoleucine, which is neutral and non-polar, with valine, which is neutral and non-polar, at codon 517 of the BMPR1A protein (p.Ile517Val). This variant is present in population databases (rs754607465, gnomAD 0.003%). This variant has not been reported in the literature in individuals affected with BMPR1A-related conditions. ClinVar contains an entry for this variant (Variation ID: 229815). Invitae Evidence Modeling incorporating data from in vitro experimental studies (internal data) indicates that this missense variant is not expected to disrupt BMPR1A function with a negative predictive value of 95%. In summary, the available evidence is currently insufficient to determine the role of this variant in disease. Therefore, it has been classified as a Variant of Uncertain Significance.

Center for Genomic Medicine, Rigshospitalet, Copenhagen University Hospital
Classification: Uncertain significance. Last evaluated: 2025-03-04. Review status: criteria provided, single submitter. Criteria: ACMG Guidelines, 2015. Collection method: clinical testing. Allele origin: germline.

All of Us Research Program, National Institutes of Health
Classification: Uncertain significance for Juvenile polyposis syndrome. Last evaluated: 2023-12-13. Review status: criteria provided, single submitter. Criteria: ACMG Guidelines, 2015. Collection method: clinical testing. Allele origin: germline. Inheritance: Autosomal dominant inheritance. Observed: 2 variant alleles, 2 heterozygotes.
Comment: This missense variant replaces isoleucine with valine at codon 517 of the BMPR1A protein. Computational prediction suggests that this variant may not impact protein structure and function (internally defined REVEL score threshold <= 0.5, PMID: 27666373). To our knowledge, functional studies have not been reported for this variant. This variant has not been reported in individuals affected with BMPR1A-related disorders in the literature. This variant has been identified in 3/251480 chromosomes in the general population by the Genome Aggregation Database (gnomAD). The available evidence is insufficient to determine the role of this variant in disease conclusively. Therefore, this variant is classified as a Variant of Uncertain Significance.

This study involves interpretation of variants in research participants for the purpose of population health screening. Participant phenotype was not available at the time of variant classification. Additional details can be found in publication PMID: 35346344, PMCID: PMC8962531

Color Diagnostics, LLC DBA Color Health
Classification: Uncertain significance for Hereditary cancer-predisposing syndrome. Last evaluated: 2023-09-29. Review status: criteria provided, single submitter. Criteria: ACMG Guidelines, 2015. Collection method: clinical testing. Allele origin: germline.
Comment: This missense variant replaces isoleucine with valine at codon 517 of the BMPR1A protein. Computational prediction suggests that this variant may not impact protein structure and function (internally defined REVEL score threshold <= 0.5, PMID: 27666373). To our knowledge, functional studies have not been reported for this variant. This variant has not been reported in individuals affected with BMPR1A-related disorders in the literature. This variant has been identified in 3/251480 chromosomes in the general population by the Genome Aggregation Database (gnomAD). The available evidence is insufficient to determine the role of this variant in disease conclusively. Therefore, this variant is classified as a Variant of Uncertain Significance.

Ambry Genetics
Classification: Benign for Hereditary cancer-predisposing syndrome. Last evaluated: 2023-06-05. Review status: criteria provided, single submitter. Criteria: Ambry Variant Classification Scheme 2023. Collection method: clinical testing. Allele origin: germline.

Sema4
Classification: Uncertain significance for Hereditary cancer-predisposing syndrome. Last evaluated: 2022-02-16. Review status: criteria provided, single submitter. Criteria: Sema4 Curation Guidelines. Collection method: curation. Allele origin: germline.
Comment: The BMPR1A c.1549A>G (p.I517V) variant has not been reported in the literature to our knowledge. This variant was observed in 3/113762 chromosomes in the Non-Finnish European population, according to the Genome Aggregation Database (PMID: 32461654). The variant has been reported in ClinVar (Variation ID: 229815). Functional studies have not been performed, and in silico predictions of the variant's effect on protein function are inconclusive. The evidence is insufficient to meet ACMG/AMP criteria for classifying the variant as benign or pathogenic. Thus, the clinical significance of this variant is currently uncertain.

GeneDx
Classification: Uncertain significance. Last evaluated: 2021-09-07. Review status: criteria provided, single submitter. Criteria: GeneDx Variant Classification Process June 2021. Collection method: clinical testing. Allele origin: germline. Affected: yes.
Comment: Not observed at significant frequency in large population cohorts (Lek 2016); In silico analysis supports that this missense variant does not alter protein structure/function; Has not been previously published as germline pathogenic or benign to our knowledge; This variant is associated with the following publications: (PMID: 24643969, 27573823)

Quest Diagnostics Nichols Institute San Juan Capistrano
Classification: Uncertain significance. Last evaluated: 2018-10-11. Review status: criteria provided, single submitter. Criteria: Quest Diagnostics criteria. Collection method: clinical testing. Allele origin: germline.

Illumina Laboratory Services, Illumina
Classification: Uncertain significance for Juvenile polyposis syndrome. Last evaluated: 2017-04-27. Review status: criteria provided, single submitter. Criteria: ICSL Variant Classification Criteria 13 December 2019. Collection method: clinical testing. Allele origin: germline.

NM_004329.3(BMPR1A):c.1549A>G (p.Ile517Val)

Gene: BMPR1A (bone morphogenetic protein receptor type 1A; plus strand). Cytogenetic location: 10q23.2.
Variant type: single nucleotide variant.
Coding change: c.1549A>G on transcript NM_004329.3 (MANE Select); coding-DNA position 1549, A replaced by G.
Protein change: p.Ile517Val; replaces isoleucine 517 with valine.
Molecular consequence: missense variant.
Genome position (GRCh38, 1-based): chr10:86,923,669, A>G. VCF-style: chr10-86923669-A-G. GRCh37 (hg19) VCF-style: chr10-88683426-A-G.
Other names: short protein forms I517V.
Identifiers: ClinVar variation 229815 (VCV000229815.32), dbSNP rs754607465, ClinGen allele CA5585749.
Genomic context (GRCh38, chr10:86,923,669, plus strand): 5'-TTGAAGCTAATGTCAGAATGCTGGGCCCACAATCCAGCCTCCAGACTCACAGCATTGAGA[A>G]TTAAGAAGACGCTTGCCAAGATGGTTGAATCCCAAGATGTAAAAATCTGATGGTTAAACC-3'
Protein context (NP_004320.2, residues 507-527): NPASRLTALR[Ile517Val]KKTLAKMVES